The following is an entry in ClinVar:

ClinVar aggregate classification (germline): Likely benign (0 of 4 stars; one submission).

Conditions:
PRDM9-related disorder. Also called: PRDM9-related condition.

Allele frequency attached by ClinVar (database versions not stated): gnomAD exomes 0.00238; ExAC 0.00185; ESP Exome Variant Server 0.00317; 1000 Genomes Project 0.00080; 1000 Genomes Project 30x 0.00094; gnomAD 0.00179; TOPMed 0.00198.

Submission:

PreventionGenetics, part of Exact Sciences
Classification: Likely benign for PRDM9-related condition. Last evaluated: 2022-06-14. Review status: no assertion criteria provided. Collection method: clinical testing. Allele origin: germline.
Comment: This variant is classified as likely benign based on ACMG/AMP sequence variant interpretation guidelines (Richards et al. 2015 PMID: 25741868, with internal and published modifications).

NM_020227.4(PRDM9):c.1016T>A (p.Ile339Asn)

Gene: PRDM9 (PR/SET domain 9; plus strand). Cytogenetic location: 5p14.2.
Variant type: single nucleotide variant.
Coding change: c.1016T>A on transcript NM_020227.4 (MANE Select); coding-DNA position 1016, T replaced by A.
Protein change: p.Ile339Asn; replaces isoleucine 339 with asparagine.
Molecular consequence: missense variant.
Genome position (GRCh38, 1-based): chr5:23,524,399, T>A. VCF-style: chr5-23524399-T-A. GRCh37 (hg19) VCF-style: chr5-23524508-T-A.
Other names: c.1016T>A, p.Ile339Asn (NM_001310214.3, NM_001376900.1); short protein forms I339N.
Identifiers: ClinVar variation 3038618 (VCV003038618.2), dbSNP rs200870835, ClinGen allele CA3214784.
Genomic context (GRCh38, chr5:23,524,399, plus strand): 5'-TGAACTGTGCCCGGGATGATGAAGAGCAGAACCTGGTGGCCTTCCAGTACCACAGGCAGA[T>A]CTTCTATAGAACCTGCCGAGTCATTAGGCCAGGCTGTGAACTGCTGGTCTGGTATGGGGA-3'
Protein context (NP_064612.2, residues 329-349): NLVAFQYHRQ[Ile339Asn]FYRTCRVIRP